The following is an entry in ClinVar:

NM_025193.4(HSD3B7):c.385A>G (p.Ser129Gly)

Gene: HSD3B7 (hydroxy-delta-5-steroid dehydrogenase, 3 beta- and steroid delta-isomerase 7; plus strand). Cytogenetic location: 16p11.2.
Variant type: single nucleotide variant.
Coding change: c.385A>G on transcript NM_025193.4 (MANE Select); coding-DNA position 385, A replaced by G.
Protein change: p.Ser129Gly; replaces serine 129 with glycine.
Molecular consequence: missense variant.
Genome position (GRCh38, 1-based): chr16:30,986,485, A>G. VCF-style: chr16-30986485-A-G. GRCh37 (hg19) VCF-style: chr16-30997806-A-G.
Other names: c.385A>G, p.Ser129Gly (NM_001142777.2, NM_001142778.2); short protein forms S129G.
Identifiers: ClinVar variation 391606 (VCV000391606.3), dbSNP rs1057524162, ClinGen allele CA16607411.

ClinVar aggregate classification (germline): Uncertain significance. Review status: criteria provided, multiple submitters, no conflicts (2 of 4 stars). 2 submissions from 2 submitters: Uncertain significance (2). Last evaluated 2022-03-02.

Submissions (2):

AiLife Diagnostics
Classification: Uncertain significance. Last evaluated: 2022-03-02. Review status: criteria provided, single submitter. Criteria: ACMG Guidelines, 2015. Collection method: clinical testing. Allele origin: germline. Affected: yes. Observed: 1 variant allele.

GeneDx
Classification: Uncertain significance. Last evaluated: 2016-12-24. Review status: criteria provided, single submitter. Criteria: GeneDx Variant Classification (06012015). Collection method: clinical testing. Allele origin: germline. Affected: yes.
Comment: The S129G variant in the HSD3B7 gene has not been reported previously as a pathogenic variant, nor as a benign variant, to our knowledge. The S129G variant was not observed in approximately 6500 individuals of European and African American ancestry in the NHLBI Exome Sequencing Project, indicating it is not a common benign variant in these populations. The S129G variant is a non-conservative amino acid substitution, which is likely to impact secondary protein structure as these residues differ in polarity, charge, size and/or other properties. This substitution occurs at a position that is conserved across species. In silico analysis predicts this variant is probably damaging to the protein structure/function. We interpret S129G as a variant of uncertain significance.